The following is an entry in ClinVar:

ClinVar aggregate classification (germline): Uncertain significance. Review status: criteria provided, single submitter (1 of 4 stars). 2 submissions from 2 submitters: Uncertain significance (1). 1 of the submissions does not count toward it. Last evaluated 2022-03-26.

Conditions:
Retinal dystrophy. Also called: Inherited retinal dystrophy. Identifiers: Orphanet 71862, MedGen C0854723, MeSH D058499, MONDO:0019118, HP:0000556.

Allele frequency attached by ClinVar (database versions not stated): gnomAD 0.00001; ESP Exome Variant Server 0.00008.
gnomAD v4.1: 5 of 1,611,564 alleles (0.00031%); highest among the groups gnomAD compares: Non-Finnish European, 0.00034%; no homozygotes.

Submissions (2):

Labcorp Genetics (formerly Invitae), Labcorp
Classification: Uncertain significance. Last evaluated: 2022-03-26. Review status: criteria provided, single submitter. Criteria: Invitae Variant Classification Sherloc (09022015). Collection method: clinical testing. Allele origin: germline.
Comment: This variant is not present in population databases (gnomAD no frequency). In summary, the available evidence is currently insufficient to determine the role of this variant in disease. Therefore, it has been classified as a Variant of Uncertain Significance. Algorithms developed to predict the effect of missense changes on protein structure and function (SIFT, PolyPhen-2, Align-GVGD) all suggest that this variant is likely to be tolerated. This variant has not been reported in the literature in individuals affected with SAG-related conditions. This sequence change replaces threonine, which is neutral and polar, with alanine, which is neutral and non-polar, at codon 338 of the SAG protein (p.Thr338Ala).

Institute of Human Genetics, Univ. Regensburg, Univ. Regensburg
Classification: Uncertain significance for Retinal dystrophy. Last evaluated: 2019-01-01. Review status: no assertion criteria provided. Criteria: ACMG Guidelines, 2015. Collection method: clinical testing. Allele origin: germline. Affected: yes. Not counted in ClinVar's aggregate classification.

NM_000541.5(SAG):c.1012A>G (p.Thr338Ala)

Gene: SAG (S-antigen visual arrestin; plus strand). Cytogenetic location: 2q37.1.
Variant type: single nucleotide variant.
Coding change: c.1012A>G on transcript NM_000541.5 (MANE Select); coding-DNA position 1012, A replaced by G.
Protein change: p.Thr338Ala; replaces threonine 338 with alanine.
Molecular consequence: missense variant.
Genome position (GRCh38, 1-based): chr2:233,338,743, A>G. VCF-style: chr2-233338743-A-G. GRCh37 (hg19) VCF-style: chr2-234247389-A-G.
Other names: short protein forms T338A.
Identifiers: ClinVar variation 1927706 (VCV001927706.6), dbSNP rs371670298, ClinGen allele CA67560464.
Genomic context (GRCh38, chr2:233,338,743, plus strand): 5'-GAGGGCATAGACCGGACCGTCCTGGGAATCCTGGTGTCTTACCAGATCAAGGTGAAGCTC[A>G]CAGTGTCAGGGTAAGTGTCCCGGCACCAACCCTCGGGCTGCTCTGTCCTGGTCTTAGATG-3'
Protein context (NP_000532.2, residues 328-348): LVSYQIKVKL[Thr338Ala]VSGFLGELTS